The following is an entry in ClinVar:

ClinVar aggregate classification (germline): Uncertain significance (0 of 4 stars; one submission).

Conditions:
ITGA2B-related disorder. Also called: ITGA2B-related condition; ITGA2B-related disorders.

Submission:

PreventionGenetics, part of Exact Sciences
Classification: Uncertain significance for ITGA2B-related condition. Last evaluated: 2024-05-08. Review status: no assertion criteria provided. Collection method: clinical testing. Allele origin: germline.
Comment: The ITGA2B c.2549A>C variant is predicted to result in the amino acid substitution p.Gln850Pro. To our knowledge, this variant has not been reported in the literature or in a large population database, indicating this variant is rare. At this time, the clinical significance of this variant is uncertain due to the absence of conclusive functional and genetic evidence.

NM_000419.5(ITGA2B):c.2549A>C (p.Gln850Pro)

Gene: ITGA2B (integrin subunit alpha 2b; minus strand). Cytogenetic location: 17q21.31.
Variant type: single nucleotide variant.
Coding change: c.2549A>C on transcript NM_000419.5 (MANE Select); coding-DNA position 2549, A replaced by C.
Protein change: p.Gln850Pro; replaces glutamine 850 with proline.
Molecular consequence: missense variant.
Genome position (GRCh38, 1-based): chr17:44,375,885, T>G on the plus strand (A>C on the coding strand, the complement: ITGA2B is on the minus strand). VCF-style: chr17-44375885-T-G. GRCh37 (hg19) VCF-style: chr17-42453253-T-G.
Other names: short protein forms Q850P.
Identifiers: ClinVar variation 3346867 (VCV003346867.1).